The following is an entry in ClinVar:

ClinVar aggregate classification (germline): Likely pathogenic (1 of 4 stars; one submission).

Conditions:
Asphyxiating thoracic dystrophy 3. Also called: SHORT-RIB THORACIC DYSPLASIA 3 WITH OR WITHOUT POLYDACTYLY; POLYDACTYLY WITH NEONATAL CHONDRODYSTROPHY, TYPE I; SHORT-RIB THORACIC DYSPLASIA 3/6 WITH POLYDACTYLY, DIGENIC; Short rib polydactyly syndrome 2B; Saldino-Noonan Syndrome. Identifiers: Orphanet 93269, Orphanet 93270, Orphanet 93271, MedGen C0036069, MONDO:0013127, OMIM 613091, Orphanet 474.

Submission:

3billion
Classification: Likely pathogenic for Asphyxiating thoracic dystrophy 3. Last evaluated: 2024-06-14. Review status: criteria provided, single submitter. Criteria: ACMG Guidelines, 2015. Collection method: clinical testing. Allele origin: germline. Affected: yes.
Comment: The variant is not observed in the gnomAD v4.0.0 dataset. Predicted Consequence/Location: Frameshift: predicted to result in a loss or disruption of normal protein function through nonsense-mediated decay (NMD) or protein truncation. Multiple pathogenic variants are reported downstream of the variant. Therefore, this variant is classified as Likely pathogenic according to the recommendation of ACMG/AMP guideline.

NM_001377.3(DYNC2H1):c.1327del (p.Thr443fs)

Gene: DYNC2H1 (dynein cytoplasmic 2 heavy chain 1; plus strand). Cytogenetic location: 11q22.3.
Variant type: Deletion.
Coding change: c.1327del on transcript NM_001377.3 (MANE Select); coding-DNA position 1327, one base deleted (A; older notation c.1327delA).
Protein change: p.Thr443fs; shifts the reading frame from threonine 443.
Molecular consequence: frameshift variant.
Genome position (GRCh38, 1-based): chr11:103,121,003, A deleted; the last of 3 consecutive A bases (chr11:103,121,001-103,121,003); deleting any one gives the same sequence. VCF-style (leftmost placement, unchanged base first): chr11-103121000-GA-G. GRCh37 (hg19) VCF-style: chr11-102991729-GA-G.
Other names: c.1327del, p.Thr443fs (NM_001080463.2); short protein forms T443fs.
Identifiers: ClinVar variation 4292020 (VCV004292020.1).
Genomic context (GRCh38, chr11:103,121,000, plus strand): 5'-CTGAAATATAAAGAGTTGGTAAAGCGTCCAACTATAAGCAAAGAATTGATGTTAGAAAGA[GA>G]AACTTTACTGGCAAGACTTGTGGACTCAATTAAAGGTAAAAGTTTATGAGATTATAGTGT-3'